The following is an entry in ClinVar:

ClinVar aggregate classification (germline): Conflicting classifications of pathogenicity. Review status: criteria provided, conflicting classifications (1 of 4 stars). 5 submissions from 5 submitters: Uncertain significance (3); Likely benign (2). Last evaluated 2026-06-15.

Conditions:
Polyps, multiple and recurrent inflammatory fibroid, gastrointestinal. Identifiers: MedGen C5193005, MONDO:0008285, OMIM 175510.
Gastrointestinal stromal tumor. Also called: Gastrointestinal stromal tumor, somatic; Gastrointestinal stroma tumor. Identifiers: Orphanet 44890, MedGen C0238198, MeSH D046152, MONDO:0011719, OMIM 606764, HP:0100723.
Hereditary cancer-predisposing syndrome. Also called: Tumor predisposition; Hereditary Cancer Syndrome; Hereditary neoplastic syndrome; Neoplastic Syndromes, Hereditary. Identifiers: Orphanet 140162, MedGen C0027672, MeSH D009386, MONDO:0015356.

Allele frequency attached by ClinVar (database versions not stated): gnomAD 0.00001; gnomAD exomes 0.00001; ExAC 0.00002; TOPMed 0.00002.
gnomAD v4.1: 13 of 1,613,916 alleles (0.00081%); highest among the groups gnomAD compares: African/African-American, 0.004%; no homozygotes.

Submissions (5):

Myriad Genetics, Inc.
Classification: Likely benign for Polyps, multiple and recurrent inflammatory fibroid, gastrointestinal. Last evaluated: 2026-06-15. Review status: criteria provided, single submitter. Criteria: Myriad Autosomal Dominant, Autosomal Recessive and X-Linked Classification Criteria (2023). Collection method: clinical testing. Allele origin: unknown.
Comment: This variant is considered likely benign. This variant has been observed at a population frequency that is significantly greater than expected given the associated disease prevalence and penetrance.

Labcorp Genetics (formerly Invitae), Labcorp
Classification: Uncertain significance for Gastrointestinal stromal tumor. Last evaluated: 2025-10-27. Review status: criteria provided, single submitter. Criteria: Invitae Variant Classification Sherloc (09022015). Collection method: clinical testing. Allele origin: germline.
Comment: This sequence change replaces glutamine, which is neutral and polar, with arginine, which is basic and polar, at codon 828 of the PDGFRA protein (p.Gln828Arg). This variant is present in population databases (rs756209197, gnomAD 0.003%). This variant has not been reported in the literature in individuals affected with PDGFRA-related conditions. ClinVar contains an entry for this variant (Variation ID: 221113). Invitae Evidence Modeling of protein sequence and biophysical properties (such as structural, functional, and spatial information, amino acid conservation, physicochemical variation, residue mobility, and thermodynamic stability) has been performed for this missense variant. However, the output from this modeling did not meet the statistical confidence thresholds required to predict the impact of this variant on PDGFRA protein function. In summary, the available evidence is currently insufficient to determine the role of this variant in disease. Therefore, it has been classified as a Variant of Uncertain Significance.

Dasa
Classification: Uncertain significance. Last evaluated: 2025-09-22. Review status: criteria provided, single submitter. Criteria: DASA Assertion Criteria. Collection method: clinical testing. Allele origin: germline.
Comment: NM_006206.6(PDGFRA):c.2483A>G (p.Gln828Arg) is a missense variant that results in the substitution of glutamine with arginine. This variant is rare in population databases. The currently available literature and clinical evidence are not sufficient to establish a definitive association between this variant and the reported condition. Therefore, this variant is classified as a variant of uncertain significance.

Baylor Genetics
Classification: Uncertain significance for Polyps, multiple and recurrent inflammatory fibroid, gastrointestinal. Last evaluated: 2023-12-09. Review status: criteria provided, single submitter. Criteria: ACMG Guidelines, 2015. Collection method: clinical testing. Allele origin: unknown.

Ambry Genetics
Classification: Likely benign for Hereditary cancer-predisposing syndrome. Last evaluated: 2022-12-21. Review status: criteria provided, single submitter. Criteria: Ambry Variant Classification Scheme 2023. Collection method: clinical testing. Allele origin: germline.

NM_006206.6(PDGFRA):c.2483A>G (p.Gln828Arg)

Gene: PDGFRA (platelet derived growth factor receptor alpha; plus strand). Cytogenetic location: 4q12.
Variant type: single nucleotide variant.
Coding change: c.2483A>G on transcript NM_006206.6 (MANE Select); coding-DNA position 2483, A replaced by G.
Protein change: p.Gln828Arg; replaces glutamine 828 with arginine.
Molecular consequence: missense variant.
Genome position (GRCh38, 1-based): chr4:54,285,884, A>G. VCF-style: chr4-54285884-A-G. GRCh37 (hg19) VCF-style: chr4-55152051-A-G.
Other names: c.2558A>G, p.Gln853Arg (NM_001347828.2); c.2483A>G, p.Gln828Arg (NM_001347829.2); c.2522A>G, p.Gln841Arg (NM_001347830.2); short protein forms Q828R, Q853R, Q841R.
Identifiers: ClinVar variation 221113 (VCV000221113.17), dbSNP rs756209197, ClinGen allele CA350758.